The following is an entry in ClinVar:

NM_022489.4(INF2):c.*288C>T

Gene: INF2 (inverted formin 2; plus strand). Cytogenetic location: 14q32.33.
Variant type: single nucleotide variant.
Coding change: c.*288C>T on transcript NM_022489.4 (MANE Select); 288 bases downstream of the stop codon, C replaced by T.
Molecular consequence: 3 prime UTR variant.
Genome position (GRCh38, 1-based): chr14:104,719,081, C>T. VCF-style: chr14-104719081-C-T. GRCh37 (hg19) VCF-style: chr14-105185418-C-T.
Other names: c.*258C>T (NM_001031714.4).
Identifiers: ClinVar variation 312718 (VCV000312718.5), dbSNP rs534561202, ClinGen allele CA10644949.
Genomic context (GRCh38, chr14:104,719,081, plus strand): 5'-GCACGTGCCAGCCTCCCACCTGCTTCCTAAAGGCAACCCTGGCCCACACCCGCATGCGCC[C>T]GGTGCAGCCTGCCAAGGGCCAGTCGGGGGGTGCTGCGTCCTGCCAGTGTCCACCACAGCT-3'

ClinVar aggregate classification (germline): Benign (1 of 4 stars; one submission).

Conditions:
Focal segmental glomerulosclerosis 5 (FSGS5). Identifiers: Orphanet 656, MedGen C2750475, MONDO:0013191, OMIM 613237.

Allele frequency attached by ClinVar (database versions not stated): gnomAD 0.00002 and 0.00015; TOPMed 0.00004; gnomAD exomes 0.00027; 1000 Genomes Project 0.00080; 1000 Genomes Project 30x 0.00094.
gnomAD v4.1: 133 of 570,370 alleles (0.023%); highest among the groups gnomAD compares: South Asian, 0.35%; no homozygotes.

Submission:

Illumina Laboratory Services, Illumina
Classification: Benign for Focal segmental glomerulosclerosis 5. Last evaluated: 2018-01-13. Review status: criteria provided, single submitter. Criteria: ICSL Variant Classification Criteria 13 December 2019. Collection method: clinical testing. Allele origin: germline.
Comment: This variant was observed in the ICSL laboratory as part of a predisposition screen in an ostensibly healthy population. It had not been previously curated by ICSL or reported in the Human Gene Mutation Database (HGMD: prior to June 1st, 2018), and was therefore a candidate for classification through an automated scoring system. Utilizing variant allele frequency, disease prevalence and penetrance estimates, and inheritance mode, an automated score was calculated to assess if this variant is too frequent to cause the disease. Based on the score and internal cut-off values, a variant classified as benign is not then subjected to further curation. The score for this variant resulted in a classification of benign for this disease.